The following is an entry in ClinVar:

ClinVar aggregate classification (germline): Likely pathogenic (1 of 4 stars; one submission).

Conditions:
ALG3-congenital disorder of glycosylation. Also called: ALG3-CDG; CARBOHYDRATE-DEFICIENT GLYCOPROTEIN SYNDROME, TYPE IV; CDGS, TYPE IV; CONGENITAL DISORDER OF GLYCOSYLATION, TYPE Id; CDG Id. Identifiers: Orphanet 79321, MedGen C1832736, MONDO:0010998, OMIM 601110.

Submission:

New York Genome Center
Classification: Likely pathogenic for ALG3-congenital disorder of glycosylation. Last evaluated: 2024-01-29. Review status: criteria provided, single submitter. Criteria: NYGC Assertion Criteria 2020. Collection method: clinical testing. Allele origin: inherited. Affected: yes. Observed: 1 variant allele, 1 compound heterozygote.
Comment: The c.1155-2A>G variant identified in ALG3 has not been deposited in ClinVar or in the literature in affected individuals. It is also absent from population databases (gnomAD v2.1.1 and v3.1.2, TOPMed Freeze 8), suggesting it is not a common benign variant in the populations represented in those databases. The c.1155-2A>G variant in ALG3 is located in the canonical splice site preceding exon 9 of this 9-exon gene. Loss of function variants at or covering exon 9 have been reported in individuals with CDG_Id [PMID: 31067009, 33187827, 26453362]. Transcriptome Sequencing was performed on total RNA from a cultured amniotic fluid sample from this fetus. Targeted data analysis was performed to assess the splicing impact of germline ALG3 variant c.1155-2A>G. This testing indicates the canonical splice site variant c.1155-2A>G leads to the creation of two types of aberrant transcript populations that impact exon 9. Based on the available evidence, c.1155-2A>G variant identified in the ALG3 gene is classified as Likely Pathogenic.

NM_005787.6(ALG3):c.1155-2A>G

Gene: ALG3 (ALG3 alpha-1,3- mannosyltransferase; minus strand). Cytogenetic location: 3q27.1.
Variant type: single nucleotide variant.
Coding change: c.1155-2A>G on transcript NM_005787.6 (MANE Select); the canonical splice acceptor site of the intron before coding-DNA position 1155, A replaced by G.
Molecular consequence: splice acceptor variant.
Genome position (GRCh38, 1-based): chr3:184,242,678, T>C on the plus strand (A>G on the coding strand, the complement: ALG3 is on the minus strand). VCF-style: chr3-184242678-T-C. GRCh37 (hg19) VCF-style: chr3-183960466-T-C.
Other names: c.1011-2A>G (NM_001006941.2); c.1155-2A>G (NM_005787.5).
Identifiers: ClinVar variation 4888344 (VCV004888344.1).